The following is an entry in ClinVar:

ClinVar aggregate classification (germline): Uncertain significance. Review status: criteria provided, multiple submitters, no conflicts (2 of 4 stars). 3 submissions from 3 submitters: Uncertain significance (3). Last evaluated 2025-11-30.

Conditions:
Hereditary cancer-predisposing syndrome. Also called: Hereditary Cancer Syndrome; Hereditary neoplastic syndrome; Neoplastic Syndromes, Hereditary; Tumor predisposition. Identifiers: Orphanet 140162, MedGen C0027672, MeSH D009386, MONDO:0015356.
Oligodontia-cancer predisposition syndrome. Also called: TOOTH AGENESIS-COLORECTAL CANCER SYNDROME. Identifiers: Orphanet 300576, MedGen C1837750, MONDO:0012075, OMIM 608615. Disease mechanism: loss of function.

Allele frequency attached by ClinVar (database versions not stated): gnomAD exomes 0.00001.
gnomAD v4.1: 12 of 1,613,838 alleles (0.00074%); highest among the groups gnomAD compares: Non-Finnish European, 0.00093%; no homozygotes.

Submissions (3):

Labcorp Genetics (formerly Invitae), Labcorp
Classification: Uncertain significance for Oligodontia-cancer predisposition syndrome. Last evaluated: 2025-11-30. Review status: criteria provided, single submitter. Criteria: Invitae Variant Classification Sherloc (09022015). Collection method: clinical testing. Allele origin: germline.
Comment: This sequence change replaces glutamic acid, which is acidic and polar, with glycine, which is neutral and non-polar, at codon 529 of the AXIN2 protein (p.Glu529Gly). This variant is not present in population databases (gnomAD no frequency). This variant has not been reported in the literature in individuals affected with AXIN2-related conditions. ClinVar contains an entry for this variant (Variation ID: 408782). Invitae Evidence Modeling of protein sequence and biophysical properties (such as structural, functional, and spatial information, amino acid conservation, physicochemical variation, residue mobility, and thermodynamic stability) has been performed for this missense variant. However, the output from this modeling did not meet the statistical confidence thresholds required to predict the impact of this variant on AXIN2 protein function. In summary, the available evidence is currently insufficient to determine the role of this variant in disease. Therefore, it has been classified as a Variant of Uncertain Significance.

Ambry Genetics
Classification: Uncertain significance for Hereditary cancer-predisposing syndrome. Last evaluated: 2025-04-06. Review status: criteria provided, single submitter. Criteria: Ambry Variant Classification Scheme 2023. Collection method: clinical testing. Allele origin: germline.
Comment: The p.E529G variant (also known as c.1586A>G), located in coding exon 5 of the AXIN2 gene, results from an A to G substitution at nucleotide position 1586. The glutamic acid at codon 529 is replaced by glycine, an amino acid with similar properties. This amino acid position is well conserved in available vertebrate species. In addition, the in silico prediction for this alteration is inconclusive. Since supporting evidence is limited at this time, the clinical significance of this alteration remains unclear.

Quest Diagnostics Nichols Institute San Juan Capistrano
Classification: Uncertain significance. Last evaluated: 2021-06-01. Review status: criteria provided, single submitter. Criteria: Quest Diagnostics criteria. Collection method: clinical testing. Allele origin: unknown.

NM_004655.4(AXIN2):c.1586A>G (p.Glu529Gly)

Gene: AXIN2 (axin 2; minus strand). Cytogenetic location: 17q24.1.
Variant type: single nucleotide variant.
Coding change: c.1586A>G on transcript NM_004655.4 (MANE Select); coding-DNA position 1586, A replaced by G.
Protein change: p.Glu529Gly; replaces glutamic acid 529 with glycine.
Molecular consequence: missense variant.
Genome position (GRCh38, 1-based): chr17:65,537,450, T>C on the plus strand (A>G on the coding strand, the complement: AXIN2 is on the minus strand). VCF-style: chr17-65537450-T-C. GRCh37 (hg19) VCF-style: chr17-63533568-T-C.
Other names: c.1586A>G (LRG_296t1); c.1586A>G, p.Glu529Gly (NM_001363813.1); short protein forms E529G.
Identifiers: ClinVar variation 408782 (VCV000408782.12), dbSNP rs1060502133, ClinGen allele CA16615557.